The following is an entry in ClinVar:

NM_004415.4(DSP):c.5958C>T (p.Ile1986=)

Gene: DSP (desmoplakin; plus strand). Cytogenetic location: 6p24.3.
Variant type: single nucleotide variant.
Coding change: c.5958C>T on transcript NM_004415.4 (MANE Select); coding-DNA position 5958, C replaced by T.
Protein change: p.Ile1986=; no amino-acid change (isoleucine 1986 retained).
Molecular consequence: synonymous variant.
Genome position (GRCh38, 1-based): chr6:7,583,220, C>T. VCF-style: chr6-7583220-C-T. GRCh37 (hg19) VCF-style: chr6-7583453-C-T.
Other names: c.5958C>T (NM_004415.3, LRG_423t1); c.4161C>T, p.Ile1387= (NM_001008844.3); c.4629C>T, p.Ile1543= (NM_001319034.2).
Identifiers: ClinVar variation 510941 (VCV000510941.14), dbSNP rs577625038, ClinGen allele CA046138.

ClinVar aggregate classification (germline): Likely benign. Review status: criteria provided, multiple submitters, no conflicts (2 of 4 stars). 6 submissions from 6 submitters: Likely benign (6). Last evaluated 2026-03-25.

Conditions:
DSP-related disorder. Also called: DSP-related condition; DSP-related disorders.
Cardiovascular phenotype. Identifiers: MedGen CN230736.
Arrhythmogenic right ventricular dysplasia 8 (ARVD8). Also called: Arrhythmogenic Right Ventricular Dysplasia/Cardiomyopathy 8; ARRHYTHMOGENIC RIGHT VENTRICULAR DYSPLASIA, FAMILIAL, 8; ARRHYTHMOGENIC RIGHT VENTRICULAR CARDIOMYOPATHY 8. Identifiers: MedGen C1843896, MONDO:0011831, OMIM 607450.
Arrhythmogenic cardiomyopathy with wooly hair and keratoderma. Also called: PALMOPLANTAR KERATODERMA WITH LEFT VENTRICULAR CARDIOMYOPATHY AND WOOLLY HAIR; Carvajal syndrome; Dilated cardiomyopathy with woolly hair and keratoderma; Arrhythmogenic cardiomyopathy with woolly hair and keratoderma. Identifiers: Orphanet 65282, MedGen C1854063, MONDO:0011581, OMIM 605676.
Cardiomyopathy (CMYO). Also called: Cardiomyopathies. Identifiers: Orphanet 167848, MedGen C0878544, MONDO:0004994, HP:0001638. Inheritance: Various modes of inheritance.

Allele frequency attached by ClinVar (database versions not stated): gnomAD 0.00001; TOPMed 0.00003.
gnomAD v4.1: 21 of 1,613,910 alleles (0.0013%); highest among the groups gnomAD compares: Middle Eastern, 0.016%; no homozygotes.

Submissions (6):

PreventionGenetics, part of Exact Sciences
Classification: Likely benign for DSP-related condition. Last evaluated: 2026-03-25. Review status: criteria provided, single submitter. Criteria: ACMG Guidelines, 2015. Collection method: clinical testing. Allele origin: germline.
Comment: This variant is classified as likely benign based on ACMG/AMP sequence variant interpretation guidelines (Richards et al. 2015 PMID: 25741868, with internal and published modifications).

Labcorp Genetics (formerly Invitae), Labcorp
Classification: Likely benign for Arrhythmogenic cardiomyopathy with wooly hair and keratoderma; Arrhythmogenic right ventricular dysplasia 8. Last evaluated: 2026-01-27. Review status: criteria provided, single submitter. Criteria: Invitae Variant Classification Sherloc (09022015). Collection method: clinical testing. Allele origin: germline.

Women's Health and Genetics/Laboratory Corporation of America, LabCorp
Classification: Likely benign. Last evaluated: 2026-01-02. Review status: criteria provided, single submitter. Criteria: LabCorp Variant Classification Summary - May 2015. Collection method: clinical testing. Allele origin: germline.

Ambry Genetics
Classification: Likely benign for Cardiovascular phenotype. Last evaluated: 2023-03-07. Review status: criteria provided, single submitter. Criteria: Ambry Variant Classification Scheme 2023. Collection method: clinical testing. Allele origin: germline.

Color Diagnostics, LLC DBA Color Health
Classification: Likely benign for Cardiomyopathy. Last evaluated: 2019-08-02. Review status: criteria provided, single submitter. Criteria: ACMG Guidelines, 2015. Collection method: clinical testing. Allele origin: germline.

GeneDx
Classification: Likely benign. Last evaluated: 2017-07-24. Review status: criteria provided, single submitter. Criteria: GeneDx Variant Classification (06012015). Collection method: clinical testing. Allele origin: germline. Affected: yes.
Comment: This variant is considered likely benign or benign based on one or more of the following criteria: it is a conservative change, it occurs at a poorly conserved position in the protein, it is predicted to be benign by multiple in silico algorithms, and/or has population frequency not consistent with disease.